The following is an entry in ClinVar:

ClinVar aggregate classification (germline): Likely benign (1 of 4 stars; one submission).

Submission:

CeGaT Center for Human Genetics Tuebingen
Classification: Likely benign. Last evaluated: 2025-10-01. Review status: criteria provided, single submitter. Criteria: CeGaT Center For Human Genetics Tuebingen Variant Classification Criteria Version 2. Collection method: clinical testing. Allele origin: germline. Affected: yes. Observed: 1 variant allele.
Comment: MUC4: BS2

NM_018406.7(MUC4):c.4069C>G (p.His1357Asp)

Gene: MUC4 (mucin 4, cell surface associated). Cytogenetic location: 3q29.
Variant type: single nucleotide variant.
Coding change: c.4069C>G on transcript NM_018406.7 (MANE Select); coding-DNA position 4069, C replaced by G.
Protein change: p.His1357Asp; replaces histidine 1357 with aspartic acid.
Molecular consequence: missense variant. On other transcripts: intron variant (2).
Genome position (GRCh38, 1-based): chr3:195,787,511, G>C on the plus strand (C>G on the coding strand, the complement: MUC4 is on the minus strand). VCF-style: chr3-195787511-G-C. GRCh37 (hg19) VCF-style: chr3-195514382-G-C.
Other names: c.83-13206C>G (NM_138297.5); c.83-9056C>G (NM_004532.6); short protein forms H1357D.
Identifiers: ClinVar variation 4533782 (VCV004533782.6).